The following is an entry in ClinVar:

ClinVar aggregate classification (germline): Uncertain significance (1 of 4 stars; one submission).

Allele frequency attached by ClinVar (database versions not stated): gnomAD exomes below 0.00001; TOPMed below 0.00001; gnomAD 0.00001.
gnomAD v4.1: 4 of 1,614,020 alleles (0.00025%); highest among the groups gnomAD compares: Non-Finnish European, 0.00034%; no homozygotes.

Submission:

Labcorp Genetics (formerly Invitae), Labcorp
Classification: Uncertain significance. Last evaluated: 2022-07-22. Review status: criteria provided, single submitter. Criteria: Invitae Variant Classification Sherloc (09022015). Collection method: clinical testing. Allele origin: germline.
Comment: This variant has not been reported in the literature in individuals affected with SZT2-related conditions. In summary, the available evidence is currently insufficient to determine the role of this variant in disease. Therefore, it has been classified as a Variant of Uncertain Significance. Algorithms developed to predict the effect of missense changes on protein structure and function are either unavailable or do not agree on the potential impact of this missense change (SIFT: "Deleterious"; PolyPhen-2: "Benign"; Align-GVGD: "Class C25"). This variant is not present in population databases (gnomAD no frequency). This sequence change replaces isoleucine, which is neutral and non-polar, with valine, which is neutral and non-polar, at codon 1378 of the SZT2 protein (p.Ile1378Val).

NM_001365999.1(SZT2):c.4303A>G (p.Ile1435Val)

Gene: SZT2 (SZT2 subunit of KICSTOR complex; plus strand). Cytogenetic location: 1p34.2.
Variant type: single nucleotide variant.
Coding change: c.4303A>G on transcript NM_001365999.1 (MANE Select); coding-DNA position 4303, A replaced by G.
Protein change: p.Ile1435Val; replaces isoleucine 1435 with valine.
Molecular consequence: missense variant.
Genome position (GRCh38, 1-based): chr1:43,429,839, A>G. VCF-style: chr1-43429839-A-G. GRCh37 (hg19) VCF-style: chr1-43895510-A-G.
Other names: c.4132A>G, p.Ile1378Val (NM_015284.4); short protein forms I1378V, I1435V.
Identifiers: ClinVar variation 1722225 (VCV001722225.5), dbSNP rs1287882709, ClinGen allele CA340020736.
Genomic context (GRCh38, chr1:43,429,839, plus strand): 5'-ATCTCTCTGACAGATGTCTGCCAGCTCAGAGGAGAGGCCCATGGTGCCCTTCATAGCGTC[A>G]TCCAGGTGGGAAGCTTGGGTGAGGGTAGAAGAGGTGTTAGAGTCCTGCCTGTGCAGAGGG-3'
Protein context (NP_001352928.1, residues 1425-1445): GEAHGALHSV[Ile1435Val]QEKFLEISRL